The following is an entry in ClinVar:

ClinVar aggregate classification (germline): Conflicting classifications of pathogenicity. Review status: criteria provided, conflicting classifications (1 of 4 stars). 3 submissions from 3 submitters: Likely pathogenic (1); Uncertain significance (2). Last evaluated 2025-10-31.

Conditions:
CARD14-related disorder. Also called: CARD14-related condition.
Pityriasis rubra pilaris (PRP). Also called: Pityriasis rubra pilaris--familial type. Identifiers: Orphanet 2897, MedGen C0032027, MONDO:0100017, OMIM 173200, MONDO:0008251.
Psoriasis 2. Identifiers: MedGen C1864497, MONDO:0011269, OMIM 602723.

Submissions (3):

PreventionGenetics, part of Exact Sciences
Classification: Likely pathogenic for CARD14-related condition. Last evaluated: 2025-10-31. Review status: criteria provided, single submitter. Criteria: ACMG Guidelines, 2015. Collection method: clinical testing. Allele origin: germline.
Comment: The CARD14 c.1488delC variant is predicted to result in a frameshift and premature protein termination (p.Trp497Glyfs*32). To our knowledge, this variant has not been reported in the literature or in a large population database (gnomAD), indicating this variant is rare. Frameshift variants in CARD14 are expected to be pathogenic. This variant is interpreted as likely pathogenic.

Labcorp Genetics (formerly Invitae), Labcorp
Classification: Uncertain significance for Pityriasis rubra pilaris; Psoriasis 2. Last evaluated: 2024-04-29. Review status: criteria provided, single submitter. Criteria: Invitae Variant Classification Sherloc (09022015). Collection method: clinical testing. Allele origin: germline.
Comment: This sequence change creates a premature translational stop signal (p.Trp497Glyfs*32) in the CARD14 gene. It is expected to result in an absent or disrupted protein product. However, the current clinical and genetic evidence is not sufficient to establish whether loss-of-function variants in CARD14 cause disease. This variant is not present in population databases (gnomAD no frequency). This variant has not been reported in the literature in individuals affected with CARD14-related conditions. In summary, the available evidence is currently insufficient to determine the role of this variant in disease. Therefore, it has been classified as a Variant of Uncertain Significance.

Blueprint Genetics
Classification: Uncertain significance. Last evaluated: 2022-09-07. Review status: criteria provided, single submitter. Criteria: ACMG Guidelines, 2015. Collection method: clinical testing. Allele origin: germline.

NM_001366385.1(CARD14):c.1488del (p.Trp497fs)

Gene: CARD14 (caspase recruitment domain family member 14; plus strand). Cytogenetic location: 17q25.3.
Variant type: Deletion.
Coding change: c.1488del on transcript NM_001366385.1 (MANE Select); coding-DNA position 1488, one base deleted (C; older notation c.1488delC).
Protein change: p.Trp497fs; shifts the reading frame from tryptophan 497.
Molecular consequence: frameshift variant. On other transcripts: non-coding transcript variant (1).
Genome position (GRCh38, 1-based): chr17:80,195,322, C deleted; the last of 3 consecutive C bases (chr17:80,195,320-80,195,322); deleting any one gives the same sequence. VCF-style (leftmost placement, unchanged base first): chr17-80195319-AC-A. GRCh37 (hg19) VCF-style: chr17-78169118-AC-A.
Other names: c.1488del, p.Trp497fs (NM_001257970.1, NM_024110.4); c.777del, p.Trp260fs (NM_052819.3); c.1488delC (NM_024110.4); short protein forms W260fs, W497fs.
Identifiers: ClinVar variation 2932126 (VCV002932126.4), dbSNP rs2040672053, ClinGen allele CA986742267.